The following is an entry in ClinVar:

ClinVar aggregate classification (germline): Uncertain significance (1 of 4 stars; one submission).

Allele frequency attached by ClinVar (database versions not stated): gnomAD exomes 0.00001.
gnomAD v4.1: 4 of 1,211,414 alleles (0.00033%); highest among the groups gnomAD compares: Non-Finnish European, 0.00034%; no homozygotes.

Submission:

Labcorp Genetics (formerly Invitae), Labcorp
Classification: Uncertain significance. Last evaluated: 2020-03-06. Review status: criteria provided, single submitter. Criteria: Invitae Variant Classification Sherloc (09022015). Collection method: clinical testing. Allele origin: germline.
Comment: This sequence change replaces serine with proline at codon 1192 of the KIAA2022 protein (p.Ser1192Pro). The serine residue is highly conserved and there is a moderate physicochemical difference between serine and proline. This variant is not present in population databases (ExAC no frequency). This variant has not been reported in the literature in individuals with KIAA2022-related disease. Algorithms developed to predict the effect of missense changes on protein structure and function (SIFT, PolyPhen-2, Align-GVGD) all suggest that this variant is likely to be tolerated, but these predictions have not been confirmed by published functional studies and their clinical significance is uncertain. In summary, the available evidence is currently insufficient to determine the role of this variant in disease. Therefore, it has been classified as a Variant of Uncertain Significance.

NM_001008537.3(NEXMIF):c.3574T>C (p.Ser1192Pro)

Gene: NEXMIF (neurite extension and migration factor; minus strand). Cytogenetic location: Xq13.3.
Variant type: single nucleotide variant.
Coding change: c.3574T>C on transcript NM_001008537.3 (MANE Select); coding-DNA position 3574, T replaced by C.
Protein change: p.Ser1192Pro; replaces serine 1192 with proline.
Molecular consequence: missense variant.
Genome position (GRCh38, 1-based): chrX:74,740,983, A>G on the plus strand (T>C on the coding strand, the complement: NEXMIF is on the minus strand). VCF-style: chrX-74740983-A-G. GRCh37 (hg19) VCF-style: chrX-73960818-A-G.
Other names: short protein forms S1192P.
Identifiers: ClinVar variation 573146 (VCV000573146.9), dbSNP rs1286509026, ClinGen allele CA413665386.